The following is an entry in ClinVar:

ClinVar aggregate classification (germline): Uncertain significance (1 of 4 stars; one submission).

Conditions:
Primary ciliary dyskinesia. Also called: Ciliary dyskinesia. Identifiers: Orphanet 244, MedGen C0008780, MONDO:0016575, HP:0012265.

Submission:

Ambry Genetics
Classification: Uncertain significance for Primary ciliary dyskinesia. Last evaluated: 2023-12-24. Review status: criteria provided, single submitter. Criteria: Ambry Variant Classification Scheme 2023. Collection method: clinical testing. Allele origin: germline.
Comment: The p.K914N variant (also known as c.2742A>T), located in coding exon 20 of the OFD1 gene, results from an A to T substitution at nucleotide position 2742. The lysine at codon 914 is replaced by asparagine, an amino acid with similar properties. This amino acid position is conserved. In addition, this alteration is predicted to be tolerated by in silico analysis. Since supporting evidence is limited at this time, the clinical significance of this alteration remains unclear.

NM_003611.3(OFD1):c.2742A>T (p.Lys914Asn)

Gene: OFD1 (OFD1 centriole and centriolar satellite protein; plus strand). Cytogenetic location: Xp22.2.
Variant type: single nucleotide variant.
Coding change: c.2742A>T on transcript NM_003611.3 (MANE Select); coding-DNA position 2742, A replaced by T.
Protein change: p.Lys914Asn; replaces lysine 914 with asparagine.
Molecular consequence: missense variant.
Genome position (GRCh38, 1-based): chrX:13,767,269, A>T. VCF-style: chrX-13767269-A-T. GRCh37 (hg19) VCF-style: chrX-13785388-A-T.
Other names: c.2622A>T, p.Lys874Asn (NM_001330209.2); c.2322A>T, p.Lys774Asn (NM_001330210.2); short protein forms K774N, K874N, K914N.
Identifiers: ClinVar variation 3223478 (VCV003223478.1), dbSNP rs2518991323, ClinGen allele CA412312063.